The following is an entry in ClinVar:

NM_006922.4(SCN3A):c.497C>T (p.Thr166Ile)

Gene: SCN3A (sodium voltage-gated channel alpha subunit 3; minus strand). Cytogenetic location: 2q24.3.
Variant type: single nucleotide variant.
Coding change: c.497C>T on transcript NM_006922.4 (MANE Select); coding-DNA position 497, C replaced by T.
Protein change: p.Thr166Ile; replaces threonine 166 with isoleucine.
Molecular consequence: missense variant.
Genome position (GRCh38, 1-based): chr2:165,164,497, G>A on the plus strand (C>T on the coding strand, the complement: SCN3A is on the minus strand). VCF-style: chr2-165164497-G-A. GRCh37 (hg19) VCF-style: chr2-166021007-G-A.
Other names: c.497C>T, p.Thr166Ile (NM_001081676.2, NM_001081677.2); short protein forms T166I.
Identifiers: ClinVar variation 644520 (VCV000644520.11), dbSNP rs905162574, ClinGen allele CA60230401.
Genomic context (GRCh38, chr2:165,164,497, plus strand): 5'-AGAAACGTAAAATCTTCTAAGCAAAACCCTCTTGCCAAGATTTTTATAAGTGACTCAAAG[G>A]TATAGATTCCAGTGAATGTGTACCTAGGAAAAACATCCAAGCCAAAATTAACAATTTTGC-3'
Protein context (NP_008853.3, residues 156-176): NVEYTFTGIY[Thr166Ile]FESLIKILAR

ClinVar aggregate classification (germline): Uncertain significance. Review status: criteria provided, multiple submitters, no conflicts (2 of 4 stars). 2 submissions from 2 submitters: Uncertain significance (2). Last evaluated 2025-03-27.

Allele frequency attached by ClinVar (database versions not stated): TOPMed below 0.00001; gnomAD 0.00001.
gnomAD v4.1: 1 of 1,613,590 alleles (0.000062%); highest among the groups gnomAD compares: African/African-American, 0.0013%; no homozygotes.

Submissions (2):

GeneDx
Classification: Uncertain significance. Last evaluated: 2025-03-27. Review status: criteria provided, single submitter. Criteria: GeneDx Variant Classification Process June 2021. Collection method: clinical testing. Allele origin: germline. Affected: yes.
Comment: Not observed at significant frequency in large population cohorts (gnomAD); In silico analysis supports that this missense variant has a deleterious effect on protein structure/function; Has not been previously published as pathogenic or benign to our knowledge

Labcorp Genetics (formerly Invitae), Labcorp
Classification: Uncertain significance. Last evaluated: 2023-04-21. Review status: criteria provided, single submitter. Criteria: Invitae Variant Classification Sherloc (09022015). Collection method: clinical testing. Allele origin: germline.
Comment: In summary, the available evidence is currently insufficient to determine the role of this variant in disease. Therefore, it has been classified as a Variant of Uncertain Significance. Advanced modeling of protein sequence and biophysical properties (such as structural, functional, and spatial information, amino acid conservation, physicochemical variation, residue mobility, and thermodynamic stability) performed at Invitae indicates that this missense variant is expected to disrupt SCN3A protein function. ClinVar contains an entry for this variant (Variation ID: 644520). This variant has not been reported in the literature in individuals affected with SCN3A-related conditions. This variant is not present in population databases (gnomAD no frequency). This sequence change replaces threonine, which is neutral and polar, with isoleucine, which is neutral and non-polar, at codon 166 of the SCN3A protein (p.Thr166Ile).